The following is an entry in ClinVar:

NM_001365480.1(CCDC88A):c.4102C>T (p.Arg1368Cys)

Gene: CCDC88A (coiled-coil domain containing 88A; minus strand). Cytogenetic location: 2p16.1.
Variant type: single nucleotide variant.
Coding change: c.4102C>T on transcript NM_001365480.1 (MANE Select); coding-DNA position 4102, C replaced by T.
Protein change: p.Arg1368Cys; replaces arginine 1368 with cysteine.
Molecular consequence: missense variant.
Genome position (GRCh38, 1-based): chr2:55,309,232, G>A on the plus strand (C>T on the coding strand, the complement: CCDC88A is on the minus strand). VCF-style: chr2-55309232-G-A. GRCh37 (hg19) VCF-style: chr2-55536368-G-A.
Other names: c.4099C>T, p.Arg1367Cys (NM_001135597.2, NM_001254943.2); c.4102C>T, p.Arg1368Cys (NM_018084.5); short protein forms R1367C, R1368C.
Identifiers: ClinVar variation 1484868 (VCV001484868.5), dbSNP rs781638437, ClinGen allele CA47587594.

ClinVar aggregate classification (germline): Uncertain significance (1 of 4 stars; one submission).

Allele frequency attached by ClinVar (database versions not stated): TOPMed below 0.00001; gnomAD exomes 0.00001.
gnomAD v4.1: 7 of 1,478,734 alleles (0.00047%); highest among the groups gnomAD compares: Non-Finnish European, 0.00065%; no homozygotes.

Submission:

Labcorp Genetics (formerly Invitae), Labcorp
Classification: Uncertain significance. Last evaluated: 2022-08-16. Review status: criteria provided, single submitter. Criteria: Invitae Variant Classification Sherloc (09022015). Collection method: clinical testing. Allele origin: germline.
Comment: This sequence change replaces arginine, which is basic and polar, with cysteine, which is neutral and slightly polar, at codon 1367 of the CCDC88A protein (p.Arg1367Cys). The frequency data for this variant in the population databases is considered unreliable, as metrics indicate poor data quality at this position in the gnomAD database. This variant has not been reported in the literature in individuals affected with CCDC88A-related conditions. ClinVar contains an entry for this variant (Variation ID: 1484868). Algorithms developed to predict the effect of missense changes on protein structure and function are either unavailable or do not agree on the potential impact of this missense change (SIFT: "Deleterious"; PolyPhen-2: "Probably Damaging"; Align-GVGD: "Class C0"). Algorithms developed to predict the effect of sequence changes on RNA splicing suggest that this variant may disrupt the consensus splice site. In summary, the available evidence is currently insufficient to determine the role of this variant in disease. Therefore, it has been classified as a Variant of Uncertain Significance.